The following is an entry in ClinVar:

NM_014795.4(ZEB2):c.1722C>A (p.Asn574Lys)

Gene: ZEB2 (zinc finger E-box binding homeobox 2; minus strand). Cytogenetic location: 2q22.3.
Variant type: single nucleotide variant.
Coding change: c.1722C>A on transcript NM_014795.4 (MANE Select); coding-DNA position 1722, C replaced by A.
Protein change: p.Asn574Lys; replaces asparagine 574 with lysine.
Molecular consequence: missense variant.
Genome position (GRCh38, 1-based): chr2:144,399,465, G>T on the plus strand (C>A on the coding strand, the complement: ZEB2 is on the minus strand). VCF-style: chr2-144399465-G-T. GRCh37 (hg19) VCF-style: chr2-145157032-G-T.
Other names: c.1650C>A, p.Asn550Lys (NM_001171653.2); short protein forms N574K, N550K.
Identifiers: ClinVar variation 959767 (VCV000959767.9), dbSNP rs1410662103, ClinGen allele CA348710338.

ClinVar aggregate classification (germline): Uncertain significance (1 of 4 stars; one submission).

Conditions:
Mowat-Wilson syndrome (MOWS). Also called: Classic Mowat-Wilson Syndrome. Identifiers: Orphanet 2152, MedGen C1856113, MONDO:0009341, OMIM 235730.

Allele frequency attached by ClinVar (database versions not stated): gnomAD 0.00001; TOPMed 0.00001.
gnomAD v4.1: 3 of 1,614,034 alleles (0.00019%); highest among the groups gnomAD compares: Non-Finnish European, 0.00025%; no homozygotes.

Submission:

Labcorp Genetics (formerly Invitae), Labcorp
Classification: Uncertain significance for Mowat-Wilson syndrome. Last evaluated: 2025-11-06. Review status: criteria provided, single submitter. Criteria: Invitae Variant Classification Sherloc (09022015). Collection method: clinical testing. Allele origin: germline.
Comment: This sequence change replaces asparagine, which is neutral and polar, with lysine, which is basic and polar, at codon 574 of the ZEB2 protein (p.Asn574Lys). The frequency data for this variant in the population databases is considered unreliable, as metrics indicate poor data quality at this position in the gnomAD database. This variant has not been reported in the literature in individuals affected with ZEB2-related conditions. ClinVar contains an entry for this variant (Variation ID: 959767). Invitae Evidence Modeling of protein sequence and biophysical properties (such as structural, functional, and spatial information, amino acid conservation, physicochemical variation, residue mobility, and thermodynamic stability) indicates that this missense variant is not expected to disrupt ZEB2 protein function with a negative predictive value of 80%. In summary, the available evidence is currently insufficient to determine the role of this variant in disease. Therefore, it has been classified as a Variant of Uncertain Significance.